The following is an entry in ClinVar:

NM_032888.4(COL27A1):c.3950T>C (p.Val1317Ala)

Gene: COL27A1 (collagen type XXVII alpha 1 chain; plus strand). Cytogenetic location: 9q32.
Variant type: single nucleotide variant.
Coding change: c.3950T>C on transcript NM_032888.4 (MANE Select); coding-DNA position 3950, T replaced by C.
Protein change: p.Val1317Ala; replaces valine 1317 with alanine.
Molecular consequence: missense variant.
Genome position (GRCh38, 1-based): chr9:114,284,740, T>C. VCF-style: chr9-114284740-T-C. GRCh37 (hg19) VCF-style: chr9-117047020-T-C.
Other names: short protein forms V1317A.
Identifiers: ClinVar variation 2011085 (VCV002011085.4), dbSNP rs2491565197, ClinGen allele CA374599120.

ClinVar aggregate classification (germline): Uncertain significance (1 of 4 stars; one submission).

Submission:

Labcorp Genetics (formerly Invitae), Labcorp
Classification: Uncertain significance. Last evaluated: 2022-06-26. Review status: criteria provided, single submitter. Criteria: Invitae Variant Classification Sherloc (09022015). Collection method: clinical testing. Allele origin: germline.
Comment: This sequence change replaces valine, which is neutral and non-polar, with alanine, which is neutral and non-polar, at codon 1317 of the COL27A1 protein (p.Val1317Ala). This variant is not present in population databases (gnomAD no frequency). This variant has not been reported in the literature in individuals affected with COL27A1-related conditions. Advanced modeling of protein sequence and biophysical properties (such as structural, functional, and spatial information, amino acid conservation, physicochemical variation, residue mobility, and thermodynamic stability) performed at Invitae indicates that this missense variant is not expected to disrupt COL27A1 protein function. In summary, the available evidence is currently insufficient to determine the role of this variant in disease. Therefore, it has been classified as a Variant of Uncertain Significance.